The following is an entry in ClinVar:

NM_173798.4(ZCCHC12):c.613C>T (p.Arg205Trp)

Gene: ZCCHC12 (zinc finger CCHC-type containing 12; plus strand). Cytogenetic location: Xq24.
Variant type: single nucleotide variant.
Coding change: c.613C>T on transcript NM_173798.4 (MANE Select); coding-DNA position 613, C replaced by T.
Protein change: p.Arg205Trp; replaces arginine 205 with tryptophan.
Molecular consequence: missense variant.
Genome position (GRCh38, 1-based): chrX:118,825,857, C>T. VCF-style: chrX-118825857-C-T. GRCh37 (hg19) VCF-style: chrX-117959820-C-T.
Other names: c.613C>T, p.Arg205Trp (NM_001312891.2); short protein forms R205W.
Identifiers: ClinVar variation 2661278 (VCV002661278.24), dbSNP rs747247847, ClinGen allele CA10500295.

ClinVar aggregate classification (germline): Likely benign (1 of 4 stars; one submission).

Allele frequency attached by ClinVar (database versions not stated): ExAC 0.00001; gnomAD 0.00003.

Submission:

CeGaT Center for Human Genetics Tuebingen
Classification: Likely benign. Last evaluated: 2022-06-01. Review status: criteria provided, single submitter. Criteria: CeGaT Center For Human Genetics Tuebingen Variant Classification Criteria Version 2. Collection method: clinical testing. Allele origin: germline. Affected: yes. Observed: 1 variant allele.
Comment: ZCCHC12: BP4